The following is an entry in ClinVar:

ClinVar aggregate classification (germline): Uncertain significance (1 of 4 stars; one submission).

gnomAD v4.1: 1 of 1,294,998 alleles (0.000077%); highest among the groups gnomAD compares: Non-Finnish European, 0.00011%; no homozygotes.

Submission:

Labcorp Genetics (formerly Invitae), Labcorp
Classification: Uncertain significance. Last evaluated: 2021-09-20. Review status: criteria provided, single submitter. Criteria: Invitae Variant Classification Sherloc (09022015). Collection method: clinical testing. Allele origin: germline.
Comment: This variant has not been reported in the literature in individuals affected with CEP78-related conditions. This variant is not present in population databases (ExAC no frequency). This sequence change affects codon 403 of the CEP78 mRNA. It is a 'silent' change, meaning that it does not change the encoded amino acid sequence of the CEP78 protein. It affects a nucleotide within the consensus splice site of the intron. Algorithms developed to predict the effect of sequence changes on RNA splicing suggest that this variant may disrupt the consensus splice site. In summary, the available evidence is currently insufficient to determine the role of this variant in disease. Therefore, it has been classified as a Variant of Uncertain Significance.

NM_001330691.3(CEP78):c.1206G>A (p.Arg402=)

Gene: CEP78 (centrosomal protein 78; plus strand). Cytogenetic location: 9q21.2.
Variant type: single nucleotide variant.
Coding change: c.1206G>A on transcript NM_001330691.3 (MANE Select); coding-DNA position 1206, G replaced by A.
Protein change: p.Arg402=; no amino-acid change (arginine 402 retained).
Molecular consequence: synonymous variant.
Genome position (GRCh38, 1-based): chr9:78,253,232, G>A. VCF-style: chr9-78253232-G-A. GRCh37 (hg19) VCF-style: chr9-80868148-G-A.
Other names: c.1209G>A, p.Arg403= (NM_001098802.3, NM_001349839.2, NM_001349840.2 and 1 more transcripts); c.1206G>A, p.Arg402= (NM_001330693.3, NM_001330694.2, NM_001349838.2).
Identifiers: ClinVar variation 1397810 (VCV001397810.6), dbSNP rs1826847602, ClinGen allele CA465541687.